The following is an entry in ClinVar:

NM_015139.3(SLC35D1):c.836A>G (p.Tyr279Cys)

Gene: SLC35D1 (solute carrier family 35 member D1; minus strand). Cytogenetic location: 1p31.3.
Variant type: single nucleotide variant.
Coding change: c.836A>G on transcript NM_015139.3 (MANE Select); coding-DNA position 836, A replaced by G.
Protein change: p.Tyr279Cys; replaces tyrosine 279 with cysteine.
Molecular consequence: missense variant.
Genome position (GRCh38, 1-based): chr1:67,020,409, T>C on the plus strand (A>G on the coding strand, the complement: SLC35D1 is on the minus strand). VCF-style: chr1-67020409-T-C. GRCh37 (hg19) VCF-style: chr1-67486092-T-C.
Other names: c.836A>G (NM_015139.2); short protein forms Y279C.
Identifiers: ClinVar variation 662949 (VCV000662949.6), dbSNP rs199585658, ClinGen allele CA898854.

ClinVar aggregate classification (germline): Uncertain significance. Review status: criteria provided, multiple submitters, no conflicts (2 of 4 stars). 2 submissions from 2 submitters: Uncertain significance (2). Last evaluated 2024-09-10.

Conditions:
Inborn genetic diseases. Identifiers: MedGen C0950123, MeSH D030342.
Schneckenbecken dysplasia. Identifiers: Orphanet 3144, MedGen C0432194, MONDO:0010013, OMIM 269250.

Allele frequency attached by ClinVar (database versions not stated): 1000 Genomes Project 30x 0.00016; 1000 Genomes Project 0.00020; ESP Exome Variant Server 0.00031; gnomAD 0.00031 and 0.00033; TOPMed 0.00034; gnomAD exomes 0.00054 and 0.00071; ExAC 0.00078.

Submissions (2):

Ambry Genetics
Classification: Uncertain significance for Inborn genetic diseases. Last evaluated: 2024-09-10. Review status: criteria provided, single submitter. Criteria: Ambry Variant Classification Scheme 2023. Collection method: clinical testing. Allele origin: germline.

Labcorp Genetics (formerly Invitae), Labcorp
Classification: Uncertain significance for Schneckenbecken dysplasia. Last evaluated: 2022-08-23. Review status: criteria provided, single submitter. Criteria: Invitae Variant Classification Sherloc (09022015). Collection method: clinical testing. Allele origin: germline.
Comment: This sequence change replaces tyrosine, which is neutral and polar, with cysteine, which is neutral and slightly polar, at codon 279 of the SLC35D1 protein (p.Tyr279Cys). This variant is present in population databases (rs199585658, gnomAD 0.1%), and has an allele count higher than expected for a pathogenic variant. This variant has not been reported in the literature in individuals affected with SLC35D1-related conditions. ClinVar contains an entry for this variant (Variation ID: 662949). Algorithms developed to predict the effect of missense changes on protein structure and function are either unavailable or do not agree on the potential impact of this missense change (SIFT: "Deleterious"; PolyPhen-2: "Benign"; Align-GVGD: "Class C25"). In summary, the available evidence is currently insufficient to determine the role of this variant in disease. Therefore, it has been classified as a Variant of Uncertain Significance.